The following is an entry in ClinVar:

ClinVar aggregate classification (germline): Likely pathogenic (1 of 4 stars; one submission).

Conditions:
Usher syndrome type 2A. Also called: RETINAL DISEASE IN USHER SYNDROME TYPE IIA, MODIFIER OF; USHER SYNDROME, TYPE IIA. Identifiers: Orphanet 231178, Orphanet 886, MedGen C1848634, MONDO:0010169, OMIM 276901.

Allele frequency attached by ClinVar (database versions not stated): gnomAD exomes below 0.00001.
gnomAD v4.1: 1 of 1,612,118 alleles (0.000062%); highest among the groups gnomAD compares: Non-Finnish European, 0.000085%; no homozygotes.

Submission:

Myriad Genetics, Inc.
Classification: Likely pathogenic for Usher syndrome type 2A. Last evaluated: 2022-02-02. Review status: criteria provided, single submitter. Criteria: Myriad Women's Health Autosomal Recessive and X-Linked Classification Criteria (2021). Collection method: clinical testing. Allele origin: unknown.
Comment: NM_206933.2(USH2A):c.658C>T(Q220*) is expected to be pathogenic in the context of USH2A-related disorders. This variant is predicted to lead to an abnormal or absent protein product due to the creation of a premature termination codon in USH2A, a gene where loss-of-function variants are known to be pathogenic. Please note: this variant was assessed in the context of healthy population screening.

NM_206933.4(USH2A):c.658C>T (p.Gln220Ter)

Gene: USH2A (usherin; minus strand). Cytogenetic location: 1q41.
Variant type: single nucleotide variant.
Coding change: c.658C>T on transcript NM_206933.4 (MANE Select); coding-DNA position 658, C replaced by T.
Protein change: p.Gln220Ter; replaces glutamine 220 with a stop codon.
Molecular consequence: nonsense.
Genome position (GRCh38, 1-based): chr1:216,365,079, G>A on the plus strand (C>T on the coding strand, the complement: USH2A is on the minus strand). VCF-style: chr1-216365079-G-A. GRCh37 (hg19) VCF-style: chr1-216538421-G-A.
Other names: c.658C>T, p.Gln220Ter (NM_007123.6); short protein forms Q220*.
Identifiers: ClinVar variation 1724233 (VCV001724233.2), dbSNP rs2527531653, ClinGen allele CA344908771.